The following is an entry in ClinVar:

NM_020937.4(FANCM):c.3258T>A (p.His1086Gln)

Gene: FANCM (FA complementation group M; plus strand). Cytogenetic location: 14q21.2.
Variant type: single nucleotide variant.
Coding change: c.3258T>A on transcript NM_020937.4 (MANE Select); coding-DNA position 3258, T replaced by A.
Protein change: p.His1086Gln; replaces histidine 1086 with glutamine.
Molecular consequence: missense variant.
Genome position (GRCh38, 1-based): chr14:45,176,012, T>A. VCF-style: chr14-45176012-T-A. GRCh37 (hg19) VCF-style: chr14-45645215-T-A.
Other names: c.3180T>A, p.His1060Gln (NM_001308133.2); short protein forms H1060Q, H1086Q.
Identifiers: ClinVar variation 1442077 (VCV001442077.6), dbSNP rs2139247109, ClinGen allele CA389600636.

ClinVar aggregate classification (germline): Uncertain significance (1 of 4 stars; one submission).

Conditions:
Fanconi anemia (FA). Also called: Fanconi's anemia. Identifiers: Orphanet 84, MedGen C0015625, MeSH D005199, MONDO:0019391.

Submission:

Labcorp Genetics (formerly Invitae), Labcorp
Classification: Uncertain significance for Fanconi anemia. Last evaluated: 2021-09-16. Review status: criteria provided, single submitter. Criteria: Invitae Variant Classification Sherloc (09022015). Collection method: clinical testing. Allele origin: germline.
Comment: In summary, the available evidence is currently insufficient to determine the role of this variant in disease. Therefore, it has been classified as a Variant of Uncertain Significance. This sequence change replaces histidine with glutamine at codon 1086 of the FANCM protein (p.His1086Gln). The histidine residue is weakly conserved and there is a small physicochemical difference between histidine and glutamine. This variant is not present in population databases (ExAC no frequency). This variant has not been reported in the literature in individuals affected with FANCM-related conditions. Algorithms developed to predict the effect of missense changes on protein structure and function output the following: SIFT: "Tolerated"; PolyPhen-2: "Benign"; Align-GVGD: "Class C0". The glutamine amino acid residue is found in multiple mammalian species, which suggests that this missense change does not adversely affect protein function.